The following is an entry in ClinVar:

ClinVar aggregate classification (germline): Pathogenic (1 of 4 stars; one submission).

Conditions:
Hereditary angioedema type 1 (HAE1). Identifiers: Orphanet 100050, Orphanet 100051, Orphanet 91378, MedGen C2717906, MONDO:0015053, OMIM 106100.

Submission:

DNA-diagnostics Laboratory, Research Centre For Medical Genetics
Classification: Pathogenic for Hereditary angioedema type 1. Last evaluated: 2024-08-10. Review status: criteria provided, single submitter. Criteria: ACMG Guidelines, 2015. Collection method: research. Allele origin: germline. Inheritance: Autosomal dominant inheritance. Affected: yes. Observed: 2 variant alleles, 2 heterozygotes. Clinical features observed: Angioedema (HP:0100665), C1 esterase inhibitor deficiency.
Comment: In our study the c.685+1delG variant in SERPING1 was observed in 1 HAE1 family (in mother and her son). In vitro functional studies indicate that the same variant disrupts wild donor splice site resulting in two transcripts formation with the exon 4 or exons 4-5 inframe deletion, and additionally forms shifted de novo splice site and cryptic splice site with following to two different frameshift transcripts predicted to undergo NMD (10.1016/j.clim.2017.03.010). In summary, the c.685+1delG variant in SERPING1 meets ACMG/ClinGen SVI guidance criteria to be classified as pathogenic: PS1, PP4_Str, PVS1_Mod, PM2_Sup, PP1

Literature cited by the submitters: DOI 10.1016/j.clim.2017.03.010.

NM_000062.3(SERPING1):c.685+1del

Gene: SERPING1 (serpin family G member 1; plus strand). Cytogenetic location: 11q12.1.
Variant type: Deletion.
Coding change: c.685+1del on transcript NM_000062.3 (MANE Select); the canonical splice donor site of the intron after coding-DNA position 685, one base deleted (G; older notation c.685+1delG).
Molecular consequence: splice donor variant.
Genome position (GRCh38, 1-based): chr11:57,602,170, G deleted; the last of 2 consecutive G bases (chr11:57,602,169-57,602,170); deleting either gives the same sequence. VCF-style (leftmost placement, unchanged base first): chr11-57602168-AG-A. GRCh37 (hg19) VCF-style: chr11-57369641-AG-A.
Other names: c.685+1del (NM_001032295.2); c.685+1delG (NM_000062.3).
Identifiers: ClinVar variation 3336798 (VCV003336798.2).
Genomic context (GRCh38, chr11:57,602,168, plus strand): 5'-GGCCCTGAAGGGCTTCACGACCAAAGGTGTCACCTCAGTCTCTCAGATCTTCCACAGCCC[AG>A]GTGAGTGCCCAGGAATGGGCAGTGTCTGCAGAGGAGGGTCCTGAGAGGACTCTGAAGGGG-3'